The following is an entry in ClinVar:

ClinVar aggregate classification (germline): Pathogenic (1 of 4 stars; one submission).

Conditions:
Multiple acyl-CoA dehydrogenase deficiency (MADD). Also called: Glutaric aciduria, type 2; ETHYLMALONIC-ADIPICACIDURIA; GA II; Glutaric Acidemia type 2; Glutaric acidemia type II; GA 2. Identifiers: Orphanet 26791, MedGen C0268596, MONDO:0009282, OMIM 231680.

Submission:

Labcorp Genetics (formerly Invitae), Labcorp
Classification: Pathogenic for Multiple acyl-CoA dehydrogenase deficiency. Last evaluated: 2022-10-17. Review status: criteria provided, single submitter. Criteria: Invitae Variant Classification Sherloc (09022015). Collection method: clinical testing. Allele origin: germline.
Comment: For these reasons, this variant has been classified as Pathogenic. This variant disrupts a region of the ETFDH protein in which other variant(s) (p.Tyr257Cys) have been determined to be pathogenic (PMID: 19758981, 21347544, 24522293). This suggests that this is a clinically significant region of the protein, and that variants that disrupt it are likely to be disease-causing. This variant has not been reported in the literature in individuals affected with ETFDH-related conditions. This variant results in the deletion of exon 7 and part of exon 8 (c.685-549_952del) of the ETFDH gene. It is expected to disrupt RNA splicing. Variants that disrupt the donor or acceptor splice site typically lead to a loss of protein function (PMID: 16199547), and loss-of-function variants in ETFDH are known to be pathogenic (PMID: 16510302, 23785301).

Literature cited by the submitters: PubMed 19758981; PubMed 21347544; PubMed 24522293; PubMed 16199547; PubMed 16510302; PubMed 23785301.

NC_000004.11:g.(?_159616098)_(159618829_?)del

Gene: ETFDH (electron transfer flavoprotein dehydrogenase; plus strand). Cytogenetic location: 4q32.1.
Variant type: Deletion.
Identifiers: ClinVar variation 2425120 (VCV002425120.5).